The following is an entry in ClinVar:

NM_033641.4(COL4A6):c.277A>G (p.Lys93Glu)

Gene: COL4A6 (collagen type IV alpha 6 chain; minus strand). Cytogenetic location: Xq22.3.
Variant type: single nucleotide variant.
Coding change: c.277A>G on transcript NM_033641.4 (MANE Select); coding-DNA position 277, A replaced by G.
Protein change: p.Lys93Glu; replaces lysine 93 with glutamic acid.
Molecular consequence: missense variant.
Genome position (GRCh38, 1-based): chrX:108,221,242, T>C on the plus strand (A>G on the coding strand, the complement: COL4A6 is on the minus strand). VCF-style: chrX-108221242-T-C. GRCh37 (hg19) VCF-style: chrX-107464472-T-C.
Other names: c.280A>G (NM_001847.2, NM_001847.3); c.277A>G, p.Lys93Glu (NM_001287758.2, NM_001287759.2, NM_001287760.2); c.280A>G, p.Lys94Glu (NM_001847.4); short protein forms K93E, K94E.
Identifiers: ClinVar variation 2144621 (VCV002144621.6), dbSNP rs746995013, ClinGen allele CA10488240.
Genomic context (GRCh38, chrX:108,221,242, plus strand): 5'-CTGATCTTTACATTTGTGGCCCATGCATCAAAGAGAAATCAAGCTTTGCTGGTCTTACCT[T>C]ATCTCCTTTTGGTCCATAAGGTCCCAGAAGGCCTGGGAAACCCCTTTCTCCTTTCAATCC-3'
Protein context (NP_378667.1, residues 83-103): LLGPYGPKGD[Lys93Glu]GPMGVPGFLG

ClinVar aggregate classification (germline): Uncertain significance. Review status: criteria provided, multiple submitters, no conflicts (2 of 4 stars). 3 submissions from 3 submitters: Uncertain significance (3). Last evaluated 2026-05-27.

Conditions:
COL4A6-related disorder. Also called: COL4A6-related condition.

Allele frequency attached by ClinVar (database versions not stated): gnomAD exomes 0.00001; ExAC 0.00002; gnomAD 0.00002; TOPMed 0.00003.
gnomAD v4.1: 12 of 1,210,157 alleles (0.00099%); highest among the groups gnomAD compares: Admixed American, 0.024%; no homozygotes.

Submissions (3):

PreventionGenetics, part of Exact Sciences
Classification: Uncertain significance for COL4A6-related condition. Last evaluated: 2026-05-27. Review status: criteria provided, single submitter. Criteria: ACMG Guidelines, 2015. Collection method: clinical testing. Allele origin: germline.
Comment: The COL4A6 c.280A>G variant is predicted to result in the amino acid substitution p.Lys94Glu. To our knowledge, this variant has not been reported in the literature. This variant is reported in 0.025% of alleles in individuals of Latino descent in gnomAD, which may be too frequent to be a primary cause of disease. Although we suspect that this variant may be benign, at this time, the clinical significance of this variant is uncertain due to the absence of conclusive functional and genetic evidence.

Ambry Genetics
Classification: Uncertain significance. Last evaluated: 2024-12-17. Review status: criteria provided, single submitter. Criteria: Ambry Variant Classification Scheme 2023. Collection method: clinical testing. Allele origin: germline.

Labcorp Genetics (formerly Invitae), Labcorp
Classification: Uncertain significance. Last evaluated: 2024-06-25. Review status: criteria provided, single submitter. Criteria: Invitae Variant Classification Sherloc (09022015). Collection method: clinical testing. Allele origin: germline.
Comment: This sequence change replaces lysine, which is basic and polar, with glutamic acid, which is acidic and polar, at codon 94 of the COL4A6 protein (p.Lys94Glu). This variant is present in population databases (rs746995013, gnomAD 0.03%). This variant has not been reported in the literature in individuals affected with COL4A6-related conditions. ClinVar contains an entry for this variant (Variation ID: 2144621). Experimental studies and prediction algorithms are not available or were not evaluated, and the functional significance of this variant is currently unknown. In summary, the available evidence is currently insufficient to determine the role of this variant in disease. Therefore, it has been classified as a Variant of Uncertain Significance.